The following is an entry in ClinVar:

ClinVar aggregate classification (germline): Uncertain significance. Review status: criteria provided, multiple submitters, no conflicts (2 of 4 stars). 3 submissions from 3 submitters: Uncertain significance (3). Last evaluated 2025-06-25.

Conditions:
Hereditary cancer-predisposing syndrome. Also called: Tumor predisposition; Hereditary neoplastic syndrome; Hereditary Cancer Syndrome; Neoplastic Syndromes, Hereditary. Identifiers: Orphanet 140162, MedGen C0027672, MeSH D009386, MONDO:0015356.
Multiple endocrine neoplasia, type 2 (MEN2). Identifiers: Orphanet 653, MedGen C4048306, MONDO:0019003. Disease mechanism: gain of function.

gnomAD v4.1: 15 of 1,612,290 alleles (0.00093%); highest among the groups gnomAD compares: Non-Finnish European, 0.0013%; no homozygotes.

Submissions (3):

Color Diagnostics, LLC DBA Color Health
Classification: Uncertain significance for Multiple endocrine neoplasia, type 2. Last evaluated: 2025-06-25. Review status: criteria provided, single submitter. Criteria: ACMG Guidelines, 2015. Collection method: clinical testing. Allele origin: germline.
Comment: This missense variant replaces glycine with cysteine at codon 691 of the RET protein. Computational prediction suggests that this variant may not impact protein structure and function. To our knowledge, functional studies have not been reported for this variant. This variant has not been reported in individuals affected with RET-related disorders in the literature. This variant has not been identified in the general population by the Genome Aggregation Database (gnomAD). The available evidence is insufficient to determine the role of this variant in disease conclusively. Therefore, this variant is classified as a Variant of Uncertain Significance.

Labcorp Genetics (formerly Invitae), Labcorp
Classification: Uncertain significance for Multiple endocrine neoplasia, type 2. Last evaluated: 2025-03-20. Review status: criteria provided, single submitter. Criteria: Invitae Variant Classification Sherloc (09022015). Collection method: clinical testing. Allele origin: germline.
Comment: This sequence change replaces glycine, which is neutral and non-polar, with cysteine, which is neutral and slightly polar, at codon 691 of the RET protein (p.Gly691Cys). This variant is not present in population databases (gnomAD no frequency). This variant has not been reported in the literature in individuals affected with RET-related conditions. ClinVar contains an entry for this variant (Variation ID: 576718). An algorithm developed to predict the effect of missense changes on protein structure and function (PolyPhen-2) suggests that this variant is likely to be tolerated. In summary, the available evidence is currently insufficient to determine the role of this variant in disease. Therefore, it has been classified as a Variant of Uncertain Significance.

Ambry Genetics
Classification: Uncertain significance for Hereditary cancer-predisposing syndrome. Last evaluated: 2023-06-30. Review status: criteria provided, single submitter. Criteria: Ambry Variant Classification Scheme 2023. Collection method: clinical testing. Allele origin: germline.
Comment: The p.G691C variant (also known as c.2071G>T), located in coding exon 11 of the RET gene, results from a G to T substitution at nucleotide position 2071. The glycine at codon 691 is replaced by cysteine, an amino acid with highly dissimilar properties. This amino acid position is not well conserved in available vertebrate species. In addition, this alteration is predicted to be tolerated by in silico analysis. Since supporting evidence is limited at this time, the clinical significance of this alteration remains unclear.

NM_020975.6(RET):c.2071G>T (p.Gly691Cys)

Gene: RET (ret proto-oncogene; plus strand). Cytogenetic location: 10q11.21.
Variant type: single nucleotide variant.
Coding change: c.2071G>T on transcript NM_020975.6 (MANE Select); coding-DNA position 2071, G replaced by T.
Protein change: p.Gly691Cys; replaces glycine 691 with cysteine.
Molecular consequence: missense variant.
Genome position (GRCh38, 1-based): chr10:43,114,671, G>T. VCF-style: chr10-43114671-G-T. GRCh37 (hg19) VCF-style: chr10-43610119-G-T.
Other names: c.1174G>T, p.Gly392Cys (NM_001406780.1, NM_001406781.1, NM_001406782.1 and 1 more transcripts); c.1045G>T, p.Gly349Cys (NM_001406783.1, NM_001406786.1); c.1081G>T, p.Gly361Cys (NM_001406784.1); c.2071G>T, p.Gly691Cys (NM_000323.2, NM_001406743.1, NM_001406744.1 and 4 more transcripts); c.1054G>T, p.Gly352Cys (NM_001406785.1); c.1309G>T, p.Gly437Cys (NM_001355216.2); c.1039G>T, p.Gly347Cys (NM_001406787.1); c.886G>T, p.Gly296Cys (NM_001406788.1, NM_001406789.1, NM_001406790.1); and 10 more; short protein forms G691C, G437C, G208C, G296C, G545C, G595C, G646C, G256C.
Identifiers: ClinVar variation 576718 (VCV000576718.11), dbSNP rs1799939, ClinGen allele CA376553252.